The following is an entry in ClinVar:

NM_003742.4(ABCB11):c.*368G>A

Gene: ABCB11 (ATP binding cassette subfamily B member 11; minus strand). Cytogenetic location: 2q31.1.
Variant type: single nucleotide variant.
Coding change: c.*368G>A on transcript NM_003742.4 (MANE Select); 368 bases downstream of the stop codon, G replaced by A.
Molecular consequence: 3 prime UTR variant.
Genome position (GRCh38, 1-based): chr2:168,923,254, C>T on the plus strand (G>A on the coding strand, the complement: ABCB11 is on the minus strand). VCF-style: chr2-168923254-C-T. GRCh37 (hg19) VCF-style: chr2-169779764-C-T.
Other names: c.*368G>A (LRG_1199t1).
Identifiers: ClinVar variation 332014 (VCV000332014.7), dbSNP rs495714, ClinGen allele CA10611256.

ClinVar aggregate classification (germline): Benign. Review status: criteria provided, multiple submitters, no conflicts (2 of 4 stars). 3 submissions from 3 submitters: Benign (3). Last evaluated 2026-04-14.

Conditions:
Familial intrahepatic cholestasis. Identifiers: Orphanet 284385, MedGen CN296401, MONDO:0017290.
Progressive familial intrahepatic cholestasis type 2. Identifiers: Orphanet 79304, MedGen C3489789, MONDO:0011156, OMIM 601847.

Allele frequency attached by ClinVar (database versions not stated): TOPMed 0.46813; gnomAD 0.47735; 1000 Genomes Project 30x 0.49750; 1000 Genomes Project 0.50679; gnomAD exomes 0.54557.
gnomAD v4.1: 145,231 of 284,080 alleles (51%); highest among the groups gnomAD compares: South Asian, 66%; 39,009 homozygotes.

Submissions (3):

Genomenon, Inc
Classification: Benign for Familial intrahepatic cholestasis. Last evaluated: 2026-04-14. Review status: criteria provided, single submitter. Criteria: Genomenon Sequence Variant Interpretation Standards - Updated. Collection method: curation. Allele origin: germline. Affected: no.
Comment: ABCB11 c.*368G>A is a variant located in the 3′ untranslated region (3′ UTR). This variant is present at high allele frequency in population databases. In conclusion, we classify ABCB11 c.*368G>A as a benign variant.

Illumina Laboratory Services, Illumina
Classification: Benign for Progressive familial intrahepatic cholestasis type 2. Last evaluated: 2018-01-13. Review status: criteria provided, single submitter. Criteria: ICSL Variant Classification Criteria 13 December 2019. Collection method: clinical testing. Allele origin: germline.
Comment: This variant was observed in the ICSL laboratory as part of a predisposition screen in an ostensibly healthy population. It had not been previously curated by ICSL or reported in the Human Gene Mutation Database (HGMD: prior to June 1st, 2018), and was therefore a candidate for classification through an automated scoring system. Utilizing variant allele frequency, disease prevalence and penetrance estimates, and inheritance mode, an automated score was calculated to assess if this variant is too frequent to cause the disease. Based on the score and internal cut-off values, a variant classified as benign is not then subjected to further curation. The score for this variant resulted in a classification of benign for this disease.

Breakthrough Genomics
Classification: Benign. Review status: criteria provided, single submitter. Criteria: ACMG Guidelines, 2015. Collection method: not provided. Allele origin: germline. Inheritance: Autosomal recessive inheritance. Affected: yes.